The following is an entry in ClinVar:

ClinVar aggregate classification (germline): Uncertain significance (1 of 4 stars; one submission).

Allele frequency attached by ClinVar (database versions not stated): gnomAD 0.00001; gnomAD exomes 0.00001.
gnomAD v4.1: 7 of 1,613,700 alleles (0.00043%); highest among the groups gnomAD compares: East Asian, 0.016%; no homozygotes.

Submission:

CeGaT Center for Human Genetics Tuebingen
Classification: Uncertain significance. Last evaluated: 2023-03-01. Review status: criteria provided, single submitter. Criteria: CeGaT Center For Human Genetics Tuebingen Variant Classification Criteria Version 2. Collection method: clinical testing. Allele origin: germline. Affected: yes. Observed: 1 variant allele.
Comment: TSHB: PM2

NM_000549.5(TSHB):c.349C>T (p.His117Tyr)

Gene: TSHB (thyroid stimulating hormone subunit beta; plus strand). Cytogenetic location: 1p13.2.
Variant type: single nucleotide variant.
Coding change: c.349C>T on transcript NM_000549.5 (MANE Select); coding-DNA position 349, C replaced by T.
Protein change: p.His117Tyr; replaces histidine 117 with tyrosine.
Molecular consequence: missense variant.
Genome position (GRCh38, 1-based): chr1:115,034,159, C>T. VCF-style: chr1-115034159-C-T. GRCh37 (hg19) VCF-style: chr1-115576780-C-T.
Other names: c.214C>T, p.His72Tyr (NM_001277991.1); short protein forms H117Y, H72Y.
Identifiers: ClinVar variation 2639012 (VCV002639012.24), dbSNP rs1674960518, ClinGen allele CA341756760.
Genomic context (GRCh38, chr1:115,034,159, plus strand): 5'-TATCCTGTTGCTTTAAGCTGTAAGTGTGGCAAGTGCAATACTGACTATAGTGACTGCATA[C>T]ATGAAGCCATCAAGACAAACTACTGTACCAAACCTCAGAAGTCTTATCTGGTAGGATTTT-3'
Protein context (NP_000540.2, residues 107-127): KCNTDYSDCI[His117Tyr]EAIKTNYCTK